The following is an entry in ClinVar:

ClinVar aggregate classification (germline): Uncertain significance (1 of 4 stars; one submission).

Conditions:
Hereditary cancer-predisposing syndrome. Also called: Hereditary Cancer Syndrome; Neoplastic Syndromes, Hereditary; Tumor predisposition; Hereditary neoplastic syndrome. Identifiers: Orphanet 140162, MedGen C0027672, MeSH D009386, MONDO:0015356.
Cardiovascular phenotype. Identifiers: MedGen CN230736.

Submission:

Ambry Genetics
Classification: Uncertain significance for Cardiovascular phenotype; Hereditary cancer-predisposing syndrome. Last evaluated: 2016-06-10. Review status: criteria provided, single submitter. Criteria: Ambry Variant Classification Scheme 2023. Collection method: clinical testing. Allele origin: germline.
Comment: The p.F2217S variant (also known as c.6650T>C), located in coding exon 44 of the NF1 gene, results from a T to C substitution at nucleotide position 6650. The phenylalanine at codon 2217 is replaced by serine, an amino acid with highly dissimilar properties. This variant was not reported in population based cohorts in the following databases: Database of Single Nucleotide Polymorphisms (dbSNP), NHLBI Exome Sequencing Project (ESP), and 1000 Genomes Project. In the ESP, this variant was not observed in 6503 samples (13006 alleles) with coverage at this position. To date, this alteration has been detected with an allele frequency of approximately 0.001% (greater than 175000 alleles tested) in our clinical cohort. This amino acid position is highly conserved in available vertebrate species. In addition, this alteration is predicted to be deleterious by in silico analysis. Since supporting evidence is limited at this time, the clinical significance of this alteration remains unclear.

NM_001042492.3(NF1):c.6713T>C (p.Phe2238Ser)

Gene: NF1 (neurofibromin 1; plus strand). Cytogenetic location: 17q11.2.
Variant type: single nucleotide variant.
Coding change: c.6713T>C on transcript NM_001042492.3 (MANE Select); coding-DNA position 6713, T replaced by C.
Protein change: p.Phe2238Ser; replaces phenylalanine 2238 with serine.
Molecular consequence: missense variant.
Genome position (GRCh38, 1-based): chr17:31,338,033, T>C. VCF-style: chr17-31338033-T-C. GRCh37 (hg19) VCF-style: chr17-29665051-T-C.
Other names: c.6650T>C, p.Phe2217Ser (NM_000267.4); short protein forms F2238S, F2217S.
Identifiers: ClinVar variation 480130 (VCV000480130.5), dbSNP rs1555534947, ClinGen allele CA399013993.
Genomic context (GRCh38, chr17:31,338,033, plus strand): 5'-GTATATATAAACACAAAGGTTTTTATAAGTTCTGTGGATCTTTTAATTGCAGATTTGCAT[T>C]CCAATATAATCCATCCCTGCAACCAAGAGCTCTTGTTGTCTTTGGGTGTATTAGCAAACG-3'
Protein context (NP_001035957.1, residues 2228-2248): QWTELAQRFA[Phe2238Ser]QYNPSLQPRA